The following is an entry in ClinVar:

ClinVar aggregate classification (germline): Uncertain significance (1 of 4 stars; one submission).

Submission:

GeneDx
Classification: Uncertain significance. Last evaluated: 2024-10-07. Review status: criteria provided, single submitter. Criteria: GeneDx Variant Classification Process June 2021. Collection method: clinical testing. Allele origin: germline. Affected: yes.
Comment: Not observed at significant frequency in large population cohorts (gnomAD); In-frame deletion of 1 amino acid in a non-repeat region; In silico analysis supports a deleterious effect on protein structure/function; Has not been previously published as pathogenic or benign to our knowledge

NM_012330.4(KAT6B):c.1152_1154del (p.Ser386del)

Gene: KAT6B (lysine acetyltransferase 6B; plus strand). Cytogenetic location: 10q22.2.
Variant type: Deletion.
Coding change: c.1152_1154del on transcript NM_012330.4 (MANE Select); coding-DNA positions 1152 to 1154, 3 bases deleted (TTC; older notation c.1152_1154delTTC).
Protein change: p.Ser386del; deletes serine 386.
Molecular consequence: inframe deletion. On other transcripts: intron variant (11).
Genome position (GRCh38, 1-based): chr10:74,975,489-74,975,491, TTC deleted; deleting any 3 consecutive bases within chr10:74,975,488-74,975,491 gives the same sequence; the c. name uses the placement nearest the transcript's 3' end. VCF-style (leftmost placement, unchanged base first): chr10-74975487-CCTT-C. GRCh37 (hg19) VCF-style: chr10-76735245-CCTT-C.
Other names: c.1152_1154del, p.Ser386del (NM_001256468.2, NM_001370136.1, NM_001370137.1 and 1 more transcripts); c.1117+35_1117+37del (NM_001370139.1, NM_001370140.1, NM_001370141.1 and 3 more transcripts); c.846+5714_846+5716del (NM_001370133.1); c.193-3735_193-3733del (NM_001370134.1); c.929-1827_929-1825del (NM_001370143.1, NM_001370144.1); c.193-13530_193-13528del (NM_001370135.1); short protein forms S386del.
Identifiers: ClinVar variation 3776656 (VCV003776656.1).